The following is an entry in ClinVar:

NM_001909.5(CTSD):c.704+18C>T

Gene: CTSD (cathepsin D; minus strand). Cytogenetic location: 11p15.5.
Variant type: single nucleotide variant.
Coding change: c.704+18C>T on transcript NM_001909.5 (MANE Select); 18 bases into the intron after coding-DNA position 704, C replaced by T.
Molecular consequence: intron variant.
Genome position (GRCh38, 1-based): chr11:1,757,306, G>A on the plus strand (C>T on the coding strand, the complement: CTSD is on the minus strand). VCF-style: chr11-1757306-G-A. GRCh37 (hg19) VCF-style: chr11-1778536-G-A.
Identifiers: ClinVar variation 514648 (VCV000514648.8), dbSNP rs371260793, ClinGen allele CA5814106.
Genomic context (GRCh38, chr11:1,757,306, plus strand): 5'-GGGGTGCCTAGAAGGCTCCCCGTCCAGCCCCGCCCTGCCTCCCAGCAACGCGGAGCGAGA[G>A]GGAACCCACACGCCCACCTGCTCAGGTAGAAGGAGAAGATGTTCTGGTCCACCAGCTTCT-3'

ClinVar aggregate classification (germline): Likely benign. Review status: criteria provided, multiple submitters, no conflicts (2 of 4 stars). 2 submissions from 2 submitters: Likely benign (2). Last evaluated 2025-12-30.

Conditions:
Neuronal ceroid lipofuscinosis. Also called: Neuronal Ceroid Lipofuscinoses. Identifiers: Orphanet 216, Orphanet 79263, MedGen C0027877, MONDO:0016295. Disease mechanism: loss of function.

Allele frequency attached by ClinVar (database versions not stated): gnomAD exomes 0.00001 and 0.00002; TOPMed 0.00001; gnomAD 0.00003; ExAC 0.00004.

Submissions (2):

Labcorp Genetics (formerly Invitae), Labcorp
Classification: Likely benign for Neuronal ceroid lipofuscinosis. Last evaluated: 2025-12-30. Review status: criteria provided, single submitter. Criteria: Invitae Variant Classification Sherloc (09022015). Collection method: clinical testing. Allele origin: germline.

GeneDx
Classification: Likely benign. Last evaluated: 2018-01-10. Review status: criteria provided, single submitter. Criteria: GeneDx Variant Classification (06012015). Collection method: clinical testing. Allele origin: germline. Affected: yes.
Comment: This variant is considered likely benign or benign based on one or more of the following criteria: it is a conservative change, it occurs at a poorly conserved position in the protein, it is predicted to be benign by multiple in silico algorithms, and/or has population frequency not consistent with disease.